The following is an entry in ClinVar:

ClinVar aggregate classification (germline): Uncertain significance (1 of 4 stars; one submission).

Conditions:
Inborn genetic diseases. Identifiers: MedGen C0950123, MeSH D030342.

Submission:

Ambry Genetics
Classification: Uncertain significance for Inborn genetic diseases. Last evaluated: 2021-08-24. Review status: criteria provided, single submitter. Criteria: Ambry Variant Classification Scheme 2023. Collection method: clinical testing. Allele origin: germline.
Comment: The p.E1259A variant (also known as c.3776A>C), located in coding exon 27 of the LRRK2 gene, results from an A to C substitution at nucleotide position 3776. The glutamic acid at codon 1259 is replaced by alanine, an amino acid with dissimilar properties. This amino acid position is conserved. In addition, this alteration is predicted to be tolerated by in silico analysis. Since supporting evidence is limited at this time, the clinical significance of this alteration remains unclear.

NM_198578.4(LRRK2):c.3776A>C (p.Glu1259Ala)

Gene: LRRK2 (leucine rich repeat kinase 2; plus strand). Cytogenetic location: 12q12.
Variant type: single nucleotide variant.
Coding change: c.3776A>C on transcript NM_198578.4 (MANE Select); coding-DNA position 3776, A replaced by C.
Protein change: p.Glu1259Ala; replaces glutamic acid 1259 with alanine.
Molecular consequence: missense variant.
Genome position (GRCh38, 1-based): chr12:40,304,133, A>C. VCF-style: chr12-40304133-A-C. GRCh37 (hg19) VCF-style: chr12-40697935-A-C.
Other names: short protein forms E1259A.
Identifiers: ClinVar variation 1734794 (VCV001734794.2), dbSNP rs2499782684, ClinGen allele CA384416933.
Genomic context (GRCh38, chr12:40,304,133, plus strand): 5'-AAAAAGCATATTTATGGTCTAGAGTAGAGAAACTGCATCTTTCTCACAATAAACTGAAAG[A>C]GGTAAGACGATTATTGCCACTTAAAAAATATACTTTATGATTTGCATCATTACAAATTAT-3'
Protein context (NP_940980.4, residues 1249-1269): KLHLSHNKLK[Glu1259Ala]IPPEIGCLEN